The following is an entry in ClinVar:

ClinVar aggregate classification (germline): Uncertain significance (1 of 4 stars; one submission).

Conditions:
Mucopolysaccharidosis, MPS-III-B (MPS3B). Also called: MPS III B; MUCOPOLYSACCHARIDOSIS, TYPE IIIB; N-ACETYL-ALPHA-D-GLUCOSAMINIDASE DEFICIENCY; NAGLU DEFICIENCY; SANFILIPPO SYNDROME B; Mucopolysaccharidosis type IIIB (Sanfilippo B). Identifiers: Orphanet 79270, MedGen C0086648, MONDO:0009656, OMIM 252920.
Charcot-Marie-Tooth disease axonal type 2V. Also called: CHARCOT-MARIE-TOOTH NEUROPATHY, TYPE 2V; CHARCOT-MARIE-TOOTH DISEASE, AXONAL, AUTOSOMAL DOMINANT, TYPE 2V. Identifiers: Orphanet 447964, MedGen C5569050, MONDO:0014665, OMIM 616491.

Submission:

Labcorp Genetics (formerly Invitae), Labcorp
Classification: Uncertain significance for Charcot-Marie-Tooth disease axonal type 2V; Mucopolysaccharidosis, MPS-III-B. Last evaluated: 2021-08-24. Review status: criteria provided, single submitter. Criteria: Invitae Variant Classification Sherloc (09022015). Collection method: clinical testing. Allele origin: germline.
Comment: This sequence change replaces alanine with serine at codon 364 of the NAGLU protein (p.Ala364Ser). The alanine residue is weakly conserved and there is a moderate physicochemical difference between alanine and serine. This variant is not present in population databases (ExAC no frequency). This variant has not been reported in the literature in individuals affected with NAGLU-related conditions. Algorithms developed to predict the effect of missense changes on protein structure and function output the following: SIFT: "Tolerated"; PolyPhen-2: "Benign"; Align-GVGD: "Class C0". The serine amino acid residue is found in multiple mammalian species, which suggests that this missense change does not adversely affect protein function. In summary, the available evidence is currently insufficient to determine the role of this variant in disease. Therefore, it has been classified as a Variant of Uncertain Significance.

NM_000263.4(NAGLU):c.1090G>T (p.Ala364Ser)

Gene: NAGLU (N-acetyl-alpha-glucosaminidase; plus strand). Cytogenetic location: 17q21.2.
Variant type: single nucleotide variant.
Coding change: c.1090G>T on transcript NM_000263.4 (MANE Select); coding-DNA position 1090, G replaced by T.
Protein change: p.Ala364Ser; replaces alanine 364 with serine.
Molecular consequence: missense variant.
Genome position (GRCh38, 1-based): chr17:42,543,096, G>T. VCF-style: chr17-42543096-G-T. GRCh37 (hg19) VCF-style: chr17-40695114-G-T.
Other names: short protein forms A364S.
Identifiers: ClinVar variation 566032 (VCV000566032.6), dbSNP rs1459252305, ClinGen allele CA399601116.